The following is an entry in ClinVar:

ClinVar aggregate classification (germline): Uncertain significance (1 of 4 stars; one submission).

Conditions:
Developmental and epileptic encephalopathy, 36 (DEE36). Also called: ALG13-CDG; Congenital disorder of glycosylation, type Is; Epileptic encephalopathy, early infantile, 36. Identifiers: Orphanet 324422, MedGen C4317295, MONDO:0010472, OMIM 300884.

Submission:

Labcorp Genetics (formerly Invitae), Labcorp
Classification: Uncertain significance for Developmental and epileptic encephalopathy, 36. Last evaluated: 2025-02-23. Review status: criteria provided, single submitter. Criteria: Invitae Variant Classification Sherloc (09022015). Collection method: clinical testing. Allele origin: germline.
Comment: This sequence change replaces cysteine, which is neutral and slightly polar, with phenylalanine, which is neutral and non-polar, at codon 1094 of the ALG13 protein (p.Cys1094Phe). This variant is not present in population databases (gnomAD no frequency). This variant has not been reported in the literature in individuals affected with ALG13-related conditions. Invitae Evidence Modeling of protein sequence and biophysical properties (such as structural, functional, and spatial information, amino acid conservation, physicochemical variation, residue mobility, and thermodynamic stability) indicates that this missense variant is not expected to disrupt ALG13 protein function with a negative predictive value of 95%. In summary, the available evidence is currently insufficient to determine the role of this variant in disease. Therefore, it has been classified as a Variant of Uncertain Significance.

NM_001099922.3(ALG13):c.3281G>T (p.Cys1094Phe)

Gene: ALG13 (ALG13 UDP-N-acetylglucosaminyltransferase subunit; plus strand). Cytogenetic location: Xq23.
Variant type: single nucleotide variant.
Coding change: c.3281G>T on transcript NM_001099922.3 (MANE Select); coding-DNA position 3281, G replaced by T.
Protein change: p.Cys1094Phe; replaces cysteine 1094 with phenylalanine.
Molecular consequence: missense variant. On other transcripts: non-coding transcript variant (1).
Genome position (GRCh38, 1-based): chrX:111,759,866, G>T. VCF-style: chrX-111759866-G-T. GRCh37 (hg19) VCF-style: chrX-111003094-G-T.
Other names: c.2732G>T, p.Cys911Phe (NM_001257230.2, NM_001257234.2, NM_001257237.2); c.3047G>T, p.Cys1016Phe (NM_001257231.2); c.3044G>T, p.Cys1015Phe (NM_001324292.2); c.2558G>T, p.Cys853Phe (NM_001324293.1); short protein forms C1016F, C853F, C1094F, C1015F, C911F.
Identifiers: ClinVar variation 4770470 (VCV004770470.1).